The following is an entry in ClinVar:

NM_001364905.1(LRBA):c.6046+1924G>T

Gene: LRBA (LPS responsive beige-like anchor protein; minus strand). Cytogenetic location: 4q31.3.
Variant type: single nucleotide variant.
Coding change: c.6046+1924G>T on transcript NM_001364905.1 (MANE Select); 1924 bases into the intron after coding-DNA position 6046, G replaced by T.
Molecular consequence: intron variant. On other transcripts: missense variant (2).
Genome position (GRCh38, 1-based): chr4:150,597,083, C>A on the plus strand (G>T on the coding strand, the complement: LRBA is on the minus strand). VCF-style: chr4-150597083-C-A. GRCh37 (hg19) VCF-style: chr4-151518235-C-A.
Other names: c.6079G>T, p.Ala2027Ser (NM_001440430.1, NM_006726.5); c.6046+1924G>T (NM_001367550.1, NM_001199282.3, NM_001440431.1); short protein forms A2027S.
Identifiers: ClinVar variation 1353190 (VCV001353190.4), dbSNP rs982705794, ClinGen allele CA108379540.
Genomic context (GRCh38, chr4:150,597,083, plus strand): 5'-TAACATTTTGGAGTATGACAATAATCATAAAATTACTATAAAATATTACTCAATGCTTAC[C>A]TTTGCTGTTCTCTCTCAATTTAAAAATGCACACTAAAACATAGATAATTAACATTGGATT-3'

ClinVar aggregate classification (germline): Uncertain significance (1 of 4 stars; one submission).

Conditions:
Combined immunodeficiency due to LRBA deficiency. Also called: Common variable immunodeficiency 8, with autoimmunity. Identifiers: Orphanet 445018, MedGen C3553512, MONDO:0013863, OMIM 614700.

gnomAD v4.1: 6 of 1,390,138 alleles (0.00043%); highest among the groups gnomAD compares: African/African-American, 0.0058%; no homozygotes.

Submission:

Labcorp Genetics (formerly Invitae), Labcorp
Classification: Uncertain significance for Combined immunodeficiency due to LRBA deficiency. Last evaluated: 2022-09-01. Review status: criteria provided, single submitter. Criteria: Invitae Variant Classification Sherloc (09022015). Collection method: clinical testing. Allele origin: germline.
Comment: In summary, the available evidence is currently insufficient to determine the role of this variant in disease. Therefore, it has been classified as a Variant of Uncertain Significance. Variants that disrupt the consensus splice site are a relatively common cause of aberrant splicing (PMID: 17576681, 9536098). Algorithms developed to predict the effect of sequence changes on RNA splicing suggest that this variant may disrupt the consensus splice site. Algorithms developed to predict the effect of missense changes on protein structure and function (SIFT, PolyPhen-2, Align-GVGD) all suggest that this variant is likely to be tolerated. ClinVar contains an entry for this variant (Variation ID: 1353190). This variant has not been reported in the literature in individuals affected with LRBA-related conditions. The frequency data for this variant in the population databases is considered unreliable, as metrics indicate poor data quality at this position in the gnomAD database. This sequence change replaces alanine, which is neutral and non-polar, with serine, which is neutral and polar, at codon 2027 of the LRBA protein (p.Ala2027Ser). This variant also falls at the last nucleotide of exon 39, which is part of the consensus splice site for this exon.

Literature cited by the submitters: PubMed 17576681; PubMed 9536098.